The following is an entry in ClinVar:

NM_000051.4(ATM):c.3032C>A (p.Thr1011Lys)

Gene: ATM (ATM serine/threonine kinase; plus strand). Cytogenetic location: 11q22.3.
Variant type: single nucleotide variant.
Coding change: c.3032C>A on transcript NM_000051.4 (MANE Select); coding-DNA position 3032, C replaced by A.
Protein change: p.Thr1011Lys; replaces threonine 1011 with lysine.
Molecular consequence: missense variant.
Genome position (GRCh38, 1-based): chr11:108,271,361, C>A. VCF-style: chr11-108271361-C-A. GRCh37 (hg19) VCF-style: chr11-108142088-C-A.
Other names: c.3032C>A, p.Thr1011Lys (NM_001351834.2); short protein forms T1011K.
Identifiers: ClinVar variation 1310965 (VCV001310965.7), dbSNP rs1387785337, ClinGen allele CA382547536.

ClinVar aggregate classification (germline): Uncertain significance. Review status: criteria provided, multiple submitters, no conflicts (2 of 4 stars). 2 submissions from 2 submitters: Uncertain significance (2). Last evaluated 2021-09-25.

Conditions:
Ataxia-telangiectasia syndrome (AT). Also called: Ataxia telangiectasia (A-T); LOUIS-BAR SYNDROME; AT, COMPLEMENTATION GROUP C; ATAXIA-TELANGIECTASIA, COMPLEMENTATION GROUP A; ATAXIA-TELANGIECTASIA, FRESNO VARIANT; Ataxia-telangiectasia. Identifiers: Orphanet 100, MedGen C0004135, MONDO:0008840, OMIM 208900.

Allele frequency attached by ClinVar (database versions not stated): gnomAD exomes below 0.00001.

Submissions (2):

Labcorp Genetics (formerly Invitae), Labcorp
Classification: Uncertain significance for Ataxia-telangiectasia syndrome. Last evaluated: 2021-09-25. Review status: criteria provided, single submitter. Criteria: Invitae Variant Classification Sherloc (09022015). Collection method: clinical testing. Allele origin: germline.
Comment: In summary, the available evidence is currently insufficient to determine the role of this variant in disease. Therefore, it has been classified as a Variant of Uncertain Significance. Advanced modeling of protein sequence and biophysical properties (such as structural, functional, and spatial information, amino acid conservation, physicochemical variation, residue mobility, and thermodynamic stability) performed at Invitae indicates that this missense variant is not expected to disrupt ATM protein function. This variant has not been reported in the literature in individuals affected with ATM-related conditions. This variant is not present in population databases (ExAC no frequency). This sequence change replaces threonine with lysine at codon 1011 of the ATM protein (p.Thr1011Lys). The threonine residue is moderately conserved and there is a moderate physicochemical difference between threonine and lysine.

GeneDx
Classification: Uncertain significance. Last evaluated: 2019-12-04. Review status: criteria provided, single submitter. Criteria: GeneDx Variant Classification Process June 2021. Collection method: clinical testing. Allele origin: germline. Affected: yes.
Comment: In silico analysis, which includes protein predictors and evolutionary conservation, supports that this variant does not alter protein structure/function; Has not been previously published as pathogenic or benign to our knowledge